The following is an entry in ClinVar:

ClinVar aggregate classification (germline): Uncertain significance (1 of 4 stars; one submission).

Conditions:
Early-infantile DEE. Also called: Early infantile epileptic encephalopathy with suppression bursts; Early infantile epileptic encephalopathy; Ohtahara syndrome. Identifiers: Orphanet 1934, MedGen C0393706, MONDO:0800491.

Submission:

Labcorp Genetics (formerly Invitae), Labcorp
Classification: Uncertain significance for Early-infantile DEE. Last evaluated: 2022-02-10. Review status: criteria provided, single submitter. Criteria: Invitae Variant Classification Sherloc (09022015). Collection method: clinical testing. Allele origin: germline.
Comment: Algorithms developed to predict the effect of missense changes on protein structure and function (SIFT, PolyPhen-2, Align-GVGD) all suggest that this variant is likely to be disruptive. In summary, the available evidence is currently insufficient to determine the role of this variant in disease. Therefore, it has been classified as a Variant of Uncertain Significance. Algorithms developed to predict the effect of sequence changes on RNA splicing suggest that this variant may create or strengthen a splice site. ClinVar contains an entry for this variant (Variation ID: 643190). This variant has not been reported in the literature in individuals affected with SPTAN1-related conditions. This variant is not present in population databases (gnomAD no frequency). This sequence change replaces isoleucine, which is neutral and non-polar, with valine, which is neutral and non-polar, at codon 120 of the SPTAN1 protein (p.Ile120Val).

NM_001130438.3(SPTAN1):c.358A>G (p.Ile120Val)

Gene: SPTAN1 (spectrin alpha, non-erythrocytic 1; plus strand). Cytogenetic location: 9q34.11.
Variant type: single nucleotide variant.
Coding change: c.358A>G on transcript NM_001130438.3 (MANE Select); coding-DNA position 358, A replaced by G.
Protein change: p.Ile120Val; replaces isoleucine 120 with valine.
Molecular consequence: missense variant.
Genome position (GRCh38, 1-based): chr9:128,568,892, A>G. VCF-style: chr9-128568892-A-G. GRCh37 (hg19) VCF-style: chr9-131331171-A-G.
Other names: c.358A>G, p.Ile120Val (NM_001195532.2, NM_001363759.2, NM_001363765.2 and 1 more transcripts); short protein forms I120V.
Identifiers: ClinVar variation 643190 (VCV000643190.9), dbSNP rs1244278345, ClinGen allele CA375051323.